The following is an entry in ClinVar:

ClinVar aggregate classification (germline): Likely pathogenic (1 of 4 stars; one submission).

Conditions:
Autosomal recessive limb-girdle muscular dystrophy type 2J (LGMDR10). Also called: Limb-girdle muscular dystrophy, type 2J; MUSCULAR DYSTROPHY, LIMB-GIRDLE, AUTOSOMAL RECESSIVE 10. Identifiers: Orphanet 140922, MedGen C1837342, MONDO:0012127, OMIM 608807.
Dilated cardiomyopathy 1G (CMD1G). Identifiers: Orphanet 154, MedGen C1858763, MONDO:0011400, OMIM 604145.

Submission:

Labcorp Genetics (formerly Invitae), Labcorp
Classification: Likely pathogenic for Dilated cardiomyopathy 1G; Autosomal recessive limb-girdle muscular dystrophy type 2J. Last evaluated: 2025-11-09. Review status: criteria provided, single submitter. Criteria: Invitae Variant Classification Sherloc (09022015). Collection method: clinical testing. Allele origin: germline.
Comment: This sequence change creates a premature translational stop signal (p.Ile17265Metfs*18) in the TTN gene. While this is not anticipated to result in nonsense mediated decay, it is expected to create a truncated TTN protein. This variant is not present in population databases (gnomAD no frequency). This variant has not been reported in the literature in individuals affected with TTN-related conditions. This variant is located in the A band of TTN (PMID: 25589632). Truncating variants in this region are significantly overrepresented in patients affected with dilated cardiomyopathy (PMID: 25589632). Truncating variants in this region have also been reported in individuals affected with autosomal recessive centronuclear myopathy (PMID: 23975875). In summary, the currently available evidence indicates that the variant is pathogenic, but additional data are needed to prove that conclusively. Therefore, this variant has been classified as Likely Pathogenic.

Literature cited by the submitters: PubMed 25589632; PubMed 23975875.

NM_001267550.2(TTN):c.51795del (p.Ile17265fs)

Genes: TTN-AS1 (TTN antisense RNA 1; plus strand), TTN (titin; minus strand). Cytogenetic location: 2q31.2.
Variant type: Deletion.
Coding change: c.51795del on transcript NM_001267550.2 (MANE Select); coding-DNA position 51795, one base deleted (A; older notation c.51795delA).
Protein change: p.Ile17265fs; shifts the reading frame from isoleucine 17265.
Molecular consequence: frameshift variant.
Genome position (GRCh38, 1-based): chr2:178,609,515, T deleted on the plus strand (A on the coding strand, the reverse complement: TTN is on the minus strand). VCF-style (leftmost placement, unchanged base first): chr2-178609514-CT-C. GRCh37 (hg19) VCF-style: chr2-179474241-CT-C.
Other names: c.46872del, p.Ile15624fs (NM_001256850.1); c.24600del, p.Ile8200fs (NM_003319.4); c.44091del, p.Ile14697fs (NM_133378.4); c.24975del, p.Ile8325fs (NM_133432.3); c.25176del, p.Ile8392fs (NM_133437.4); short protein forms I14697fs, I15624fs, I8200fs, I8325fs, I8392fs, I17265fs.
Identifiers: ClinVar variation 4785078 (VCV004785078.1).
Genomic context (GRCh38, chr2:178,609,514, plus strand): 5'-TTTCATCCTTTATCCATGTAATAGTTGGGTAAGGTGATCCAGAAATACTTGCATCAAGTG[CT>C]ATTTCATCACCTCGTTTCACTTCTAGGCTTGTTCTCAGAATGACTTTGGGGGCATCTATA-3'